The following is an entry in ClinVar:

NC_000023.10:g.(?_153577197)_(153579429_?)dup

Gene: FLNA (filamin A; minus strand). Cytogenetic location: Xq28.
Variant type: Duplication.
Identifiers: ClinVar variation 533608 (VCV000533608.2).

ClinVar aggregate classification (germline): Uncertain significance. Review status: criteria provided, single submitter (1 of 4 stars). 2 submissions from 1 submitter: Uncertain significance (2). Last evaluated 2017-11-06.

Conditions:
Melnick-Needles syndrome (MNS). Also called: MELNICK-NEEDLES OSTEODYSPLASTY; Melnick-Needles Syndrome (FLNA-MNS); OSTEODYSPLASTY OF MELNICK AND NEEDLES. Identifiers: Orphanet 2484, MedGen C0025237, MONDO:0010650, OMIM 309350.
Frontometaphyseal dysplasia (FMD1). Identifiers: Orphanet 1826, MedGen C0265293, MONDO:0015942.
Heterotopia, periventricular, X-linked dominant (PVNH1). Also called: PERIVENTRICULAR NODULAR HETEROTOPIA 4; HETEROTOPIA, PERIVENTRICULAR, 1; PERIVENTRICULAR NODULAR HETEROTOPIA 1; X-linked periventricular heterotopia. Identifiers: Orphanet 2149, Orphanet 82004, MedGen C1848213, MONDO:0010233, OMIM 300049.
Oto-palato-digital syndrome, type II (OPD2). Also called: Otopalatodigital Syndrome Type 2 (FLNA-OPD2); FACIOPALATOOSSEOUS SYNDROME; OPD II SYNDROME; Otopalatodigital Syndrome, Type II. Identifiers: Orphanet 669, Orphanet 90652, MedGen C1844696, MONDO:0010571, OMIM 304120.
Frontometaphyseal dysplasia 1 (FMD1). Also called: Frontometaphyseal Dysplasia (FLNA-FMD). Identifiers: Orphanet 1826, MedGen C4281559, MONDO:0024550, OMIM 305620.

Submissions (2):

Labcorp Genetics (formerly Invitae), Labcorp
Classification: Uncertain significance for Oto-palato-digital syndrome, type II; Heterotopia, periventricular, X-linked dominant; Frontometaphyseal dysplasia; Melnick-Needles syndrome. Last evaluated: 2017-11-06. Review status: criteria provided, single submitter. Criteria: Invitae Variant Classification Sherloc (09022015). Collection method: clinical testing. Allele origin: germline.
Comment: This variant is a gross duplication of the genomic region encompassing exons 43 to 47 of the FLNA gene. The 5' boundary is likely confined to intron 42. The 3' end of this event is unknown as it extends beyond the assayed region for this gene and therefore may encompass additional genes. The exact location of this variant in the genome is unknown. This variant has not been reported in the literature in individuals with FLNA-related disease. In summary, the available evidence is currently insufficient to determine the role of this variant in disease. Therefore, it has been classified as a Variant of Uncertain Significance.

Labcorp Genetics (formerly Invitae), Labcorp
Classification: Uncertain significance for Oto-palato-digital syndrome, type II; Heterotopia, periventricular, X-linked dominant; Frontometaphyseal dysplasia; Melnick-Needles syndrome. Last evaluated: 2017-11-02. Review status: criteria provided, single submitter. Criteria: Invitae Variant Classification Sherloc (09022015). Collection method: clinical testing. Allele origin: unknown.
Comment: In summary, the available evidence is currently insufficient to determine the role of this variant in disease. Therefore, it has been classified as a Variant of Uncertain Significance. This variant has not been reported in the literature in individuals with FLNA-related disease. This variant is a gross duplication of the genomic region encompassing exons 43 to 47 of the FLNA gene. The 5' boundary is likely confined to intron 42. The 3' end of this event is unknown as it extends beyond the assayed region for this gene and therefore may encompass additional genes. The exact location of this variant in the genome is unknown.